The following is an entry in ClinVar:

NM_015213.4(DENND5A):c.3013T>C (p.Leu1005=)

Gene: DENND5A (DENN domain containing 5A; minus strand). Cytogenetic location: 11p15.4.
Variant type: single nucleotide variant.
Coding change: c.3013T>C on transcript NM_015213.4 (MANE Select); coding-DNA position 3013, T replaced by C.
Protein change: p.Leu1005=; no amino-acid change (leucine 1005 retained).
Molecular consequence: synonymous variant. On other transcripts: non-coding transcript variant (1).
Genome position (GRCh38, 1-based): chr11:9,145,104, A>G on the plus strand (T>C on the coding strand, the complement: DENND5A is on the minus strand). VCF-style: chr11-9145104-A-G. GRCh37 (hg19) VCF-style: chr11-9166651-A-G.
Other names: c.3013T>C (NM_015213.3); c.3013T>C, p.Leu1005= (NM_001243254.2, NM_001348748.1); c.2941T>C, p.Leu981= (NM_001348749.2); c.2725T>C, p.Leu909= (NM_001348750.2).
Identifiers: ClinVar variation 2082579 (VCV002082579.6), dbSNP rs151179105, ClinGen allele CA5877153.

ClinVar aggregate classification (germline): Likely benign. Review status: criteria provided, single submitter (1 of 4 stars). 2 submissions from 2 submitters: Likely benign (1). 1 of the submissions does not count toward it. Last evaluated 2026-01-28.

Conditions:
DENND5A-related disorder. Also called: DENND5A-related condition.

Allele frequency attached by ClinVar (database versions not stated): ExAC 0.00002; ESP Exome Variant Server 0.00023; gnomAD 0.00025; TOPMed 0.00025.
gnomAD v4.1: 69 of 1,611,210 alleles (0.0043%); highest among the groups gnomAD compares: African/African-American, 0.087%; no homozygotes.

Submissions (2):

Labcorp Genetics (formerly Invitae), Labcorp
Classification: Likely benign. Last evaluated: 2026-01-28. Review status: criteria provided, single submitter. Criteria: Invitae Variant Classification Sherloc (09022015). Collection method: clinical testing. Allele origin: germline.

PreventionGenetics, part of Exact Sciences
Classification: Likely benign for DENND5A-related condition. Last evaluated: 2019-05-02. Review status: no assertion criteria provided. Collection method: clinical testing. Allele origin: germline. Not counted in ClinVar's aggregate classification.
Comment: This variant is classified as likely benign based on ACMG/AMP sequence variant interpretation guidelines (Richards et al. 2015 PMID: 25741868, with internal and published modifications).